The following is an entry in ClinVar:

ClinVar aggregate classification (germline): Uncertain significance. Review status: criteria provided, multiple submitters, no conflicts (2 of 4 stars). 2 submissions from 2 submitters: Uncertain significance (2). Last evaluated 2025-07-20.

Conditions:
Hereditary cancer-predisposing syndrome. Also called: Hereditary Cancer Syndrome; Hereditary neoplastic syndrome; Neoplastic Syndromes, Hereditary; Tumor predisposition. Identifiers: Orphanet 140162, MedGen C0027672, MeSH D009386, MONDO:0015356.
Tuberous sclerosis 2 (TSC2). Identifiers: Orphanet 805, MedGen C1860707, MONDO:0013199, OMIM 613254.

Submissions (2):

Ambry Genetics
Classification: Uncertain significance for Hereditary cancer-predisposing syndrome. Last evaluated: 2025-07-20. Review status: criteria provided, single submitter. Criteria: Ambry Variant Classification Scheme 2023. Collection method: clinical testing. Allele origin: germline.
Comment: The p.K464T variant (also known as c.1391A>C), located in coding exon 13 of the TSC2 gene, results from an A to C substitution at nucleotide position 1391. The lysine at codon 464 is replaced by threonine, an amino acid with similar properties. This amino acid position is conserved. In addition, this alteration is predicted to be deleterious by in silico analysis. Based on the available evidence, the clinical significance of this variant remains unclear.

Labcorp Genetics (formerly Invitae), Labcorp
Classification: Uncertain significance for Tuberous sclerosis 2. Last evaluated: 2023-04-24. Review status: criteria provided, single submitter. Criteria: Invitae Variant Classification Sherloc (09022015). Collection method: clinical testing. Allele origin: germline.
Comment: This variant has not been reported in the literature in individuals affected with TSC2-related conditions. This variant is not present in population databases (gnomAD no frequency). This sequence change replaces lysine, which is basic and polar, with threonine, which is neutral and polar, at codon 464 of the TSC2 protein (p.Lys464Thr). Advanced modeling of protein sequence and biophysical properties (such as structural, functional, and spatial information, amino acid conservation, physicochemical variation, residue mobility, and thermodynamic stability) performed at Invitae indicates that this missense variant is not expected to disrupt TSC2 protein function. In summary, the available evidence is currently insufficient to determine the role of this variant in disease. Therefore, it has been classified as a Variant of Uncertain Significance.

NM_000548.5(TSC2):c.1391A>C (p.Lys464Thr)

Gene: TSC2 (TSC complex subunit 2; plus strand). Cytogenetic location: 16p13.3.
Variant type: single nucleotide variant.
Coding change: c.1391A>C on transcript NM_000548.5 (MANE Select); coding-DNA position 1391, A replaced by C.
Protein change: p.Lys464Thr; replaces lysine 464 with threonine.
Molecular consequence: missense variant. On other transcripts: non-coding transcript variant (5), intron variant (1).
Genome position (GRCh38, 1-based): chr16:2,063,001, A>C. VCF-style: chr16-2063001-A-C. GRCh37 (hg19) VCF-style: chr16-2113002-A-C.
Other names: c.1391A>C, p.Lys464Thr (NM_001077183.3, NM_001114382.3, NM_001363528.2 and 6 more transcripts); c.1280A>C, p.Lys427Thr (NM_001318827.2, NM_001406670.1, NM_001406678.1); c.1244A>C, p.Lys415Thr (NM_001318829.2, NM_001406675.1, NM_001406676.1 and 1 more transcripts); c.791A>C, p.Lys264Thr (NM_001318831.2, NM_001406680.1, NM_001406682.1 and 6 more transcripts); c.1424A>C, p.Lys475Thr (NM_001318832.2); c.1481A>C, p.Lys494Thr (NM_001406667.1, NM_001406668.1); c.1379A>C, p.Lys460Thr (NM_001406671.1, NM_001406673.1); c.1334A>C, p.Lys445Thr (NM_001406677.1); and 3 more; short protein forms K415T, K464T, K494T, K16T, K445T, K264T, K310T, K427T.
Identifiers: ClinVar variation 2856468 (VCV002856468.4), dbSNP rs1033108057, ClinGen allele CA394323769.